The following is an entry in ClinVar:

NM_001349.4(DARS1):c.1379G>A (p.Arg460His)

Gene: DARS1 (aspartyl-tRNA synthetase 1; minus strand). Cytogenetic location: 2q21.3.
Variant type: single nucleotide variant.
Coding change: c.1379G>A on transcript NM_001349.4 (MANE Select); coding-DNA position 1379, G replaced by A.
Protein change: p.Arg460His; replaces arginine 460 with histidine.
Molecular consequence: missense variant.
Genome position (GRCh38, 1-based): chr2:135,911,174, C>T on the plus strand (G>A on the coding strand, the complement: DARS1 is on the minus strand). VCF-style: chr2-135911174-C-T. GRCh37 (hg19) VCF-style: chr2-136668744-C-T.
Other names: c.1079G>A, p.Arg360His (NM_001293312.1); short protein forms R460H, R360H.
Identifiers: ClinVar variation 50990 (VCV000050990.2), dbSNP rs587776985, ClinGen allele CA143919.

ClinVar aggregate classification (germline): Likely pathogenic. Review status: criteria provided, single submitter (1 of 4 stars). 2 submissions from 2 submitters: Likely pathogenic (1). 1 of the submissions does not count toward it. Last evaluated 2025-09-26.

Conditions:
Hypomyelination with brain stem and spinal cord involvement and leg spasticity. Also called: ASPARTYL-tRNA SYNTHETASE DEFICIENCY; Hypomyelination with brainstem and spinal cord involvement and leg spasticity. Identifiers: Orphanet 363412, MedGen C4755254, MONDO:0014115, OMIM 615281.

Allele frequency attached by ClinVar (database versions not stated): gnomAD below 0.00001; TOPMed 0.00001; gnomAD exomes 0.00002; ExAC 0.00004.
gnomAD v4.1: 26 of 1,550,894 alleles (0.0017%); highest among the groups gnomAD compares: South Asian, 0.0078%; no homozygotes.

Submissions (2):

First Genomix Gene Laboratory, Genetic Diagnostics Department
Classification: Likely pathogenic for Hypomyelination with brain stem and spinal cord involvement and leg spasticity. Last evaluated: 2025-09-26. Review status: criteria provided, single submitter. Criteria: ACMG Guidelines, 2015. Collection method: clinical testing. Allele origin: germline. Inheritance: Autosomal recessive inheritance. Affected: no. Observed: 1 variant allele.

OMIM
Classification: Pathogenic for HYPOMYELINATION WITH BRAINSTEM AND SPINAL CORD INVOLVEMENT AND LEG SPASTICITY. Last evaluated: 2013-05-02. Review status: no assertion criteria provided. Collection method: literature only. Allele origin: germline. Not counted in ClinVar's aggregate classification.

Literature cited by the submitters: PubMed 23643384 (cited by OMIM).